The following is an entry in ClinVar:

ClinVar aggregate classification (germline): Conflicting classifications of pathogenicity. Review status: criteria provided, conflicting classifications (1 of 4 stars). 6 submissions from 6 submitters: Uncertain significance (2); Likely benign (3). 1 of the submissions does not count toward it. Last evaluated 2025-05-30.

Conditions:
TECRL-related disorder. Also called: TECRL-related condition.
Cardiovascular phenotype. Identifiers: MedGen CN230736.
Catecholaminergic polymorphic ventricular tachycardia 3. Identifiers: Orphanet 3286, MedGen C3151463, MONDO:0013529, OMIM 614021.

Allele frequency attached by ClinVar (database versions not stated): gnomAD exomes 0.00061; 1000 Genomes Project 30x 0.00078; 1000 Genomes Project 0.00100; gnomAD 0.00025 and 0.00021; TOPMed 0.00027; ExAC 0.00064; ESP Exome Variant Server 0.00008.
gnomAD v4.1: 443 of 1,613,694 alleles (0.027%); highest among the groups gnomAD compares: East Asian, 0.79%; 1 homozygote.

Submissions (6):

Women's Health and Genetics/Laboratory Corporation of America, LabCorp
Classification: Uncertain significance. Last evaluated: 2025-05-30. Review status: criteria provided, single submitter. Criteria: LabCorp Variant Classification Summary - May 2015. Collection method: clinical testing. Allele origin: germline.

Laboratory of Genetics, Children's Clinical University Hospital Latvia
Classification: Likely benign. Last evaluated: 2025-02-16. Review status: criteria provided, single submitter. Criteria: ACMG Guidelines, 2015. Collection method: clinical testing. Allele origin: germline. Affected: yes.

Blueprint Genetics
Classification: Likely benign. Last evaluated: 2024-10-31. Review status: criteria provided, single submitter. Criteria: ACMG Guidelines, 2015. Collection method: clinical testing. Allele origin: germline.

Ambry Genetics
Classification: Likely benign for Cardiovascular phenotype. Last evaluated: 2021-08-23. Review status: criteria provided, single submitter. Criteria: Ambry Variant Classification Scheme 2023. Collection method: clinical testing. Allele origin: germline.

Baylor Genetics
Classification: Uncertain significance for Catecholaminergic polymorphic ventricular tachycardia 3. Last evaluated: 2018-04-17. Review status: criteria provided, single submitter. Criteria: ACMG Guidelines, 2015. Collection method: clinical testing. Allele origin: unknown. Affected: yes.
Comment: This variant was determined to be of uncertain significance according to ACMG Guidelines, 2015 [PMID:25741868].

PreventionGenetics, part of Exact Sciences
Classification: Benign for TECRL-related condition. Last evaluated: 2020-01-20. Review status: no assertion criteria provided. Collection method: clinical testing. Allele origin: germline. Not counted in ClinVar's aggregate classification.
Comment: This variant is classified as benign based on ACMG/AMP sequence variant interpretation guidelines (Richards et al. 2015 PMID: 25741868, with internal and published modifications).

NM_001010874.5(TECRL):c.172A>G (p.Thr58Ala)

Gene: TECRL (trans-2,3-enoyl-CoA reductase like; minus strand). Cytogenetic location: 4q13.1.
Variant type: single nucleotide variant.
Coding change: c.172A>G on transcript NM_001010874.5 (MANE Select); coding-DNA position 172, A replaced by G.
Protein change: p.Thr58Ala; replaces threonine 58 with alanine.
Molecular consequence: missense variant.
Genome position (GRCh38, 1-based): chr4:64,409,180, T>C on the plus strand (A>G on the coding strand, the complement: TECRL is on the minus strand). VCF-style: chr4-64409180-T-C. GRCh37 (hg19) VCF-style: chr4-65274898-T-C.
Other names: c.172A>G, p.Thr58Ala (NM_001363796.1); short protein forms T58A.
Identifiers: ClinVar variation 1034365 (VCV001034365.8), dbSNP rs189087821, ClinGen allele CA2935681.
Genomic context (GRCh38, chr4:64,409,180, plus strand): 5'-TATCCAGAATACATATCTGTTTCCTTGTTTGAGCATCAAATATTTCAATCTCAAAGTGAG[T>C]CGTTTTTGAATGTTTGACTGCTGGAGTTGGTCTTAGAGGGCCCGCTGAGAGTACAAGTTT-3'
Protein context (NP_001010874.2, residues 48-68): PTPAVKHSKT[Thr58Ala]HFEIEIFDAQ